The following is an entry in ClinVar:

NM_000349.3(STAR):c.141G>A (p.Thr47=)

Gene: STAR (steroidogenic acute regulatory protein; minus strand). Cytogenetic location: 8p11.23.
Variant type: single nucleotide variant.
Coding change: c.141G>A on transcript NM_000349.3 (MANE Select); coding-DNA position 141, G replaced by A.
Protein change: p.Thr47=; no amino-acid change (threonine 47 retained).
Molecular consequence: synonymous variant.
Genome position (GRCh38, 1-based): chr8:38,148,678, C>T on the plus strand (G>A on the coding strand, the complement: STAR is on the minus strand). VCF-style: chr8-38148678-C-T. GRCh37 (hg19) VCF-style: chr8-38006196-C-T.
Identifiers: ClinVar variation 717333 (VCV000717333.46), dbSNP rs147318238, ClinGen allele CA4715348.

ClinVar aggregate classification (germline): Conflicting classifications of pathogenicity. Review status: criteria provided, conflicting classifications (1 of 4 stars). 5 submissions from 5 submitters: Uncertain significance (1); Benign (1); Likely benign (2). 1 of the submissions does not count toward it. Last evaluated 2026-02-04.

Conditions:
Congenital lipoid adrenal hyperplasia due to STAR deficency. Also called: Congenital Lipoid Adrenal Hyperplasia; Cholesterol monooxygenase (side-chain cleaving) deficiency; Lipoid adrenal hyperplasia; ADRENAL HYPERPLASIA I. Identifiers: Orphanet 418, Orphanet 90790, MedGen C0342474, MONDO:0008725, OMIM 201710.

Allele frequency attached by ClinVar (database versions not stated): 1000 Genomes Project 30x 0.00031; 1000 Genomes Project 0.00040; ExAC 0.00166; gnomAD exomes 0.00168 and 0.00337; gnomAD 0.00169 and 0.00173; TOPMed 0.00169; ESP Exome Variant Server 0.00231.
gnomAD v4.1: 5,180 of 1,614,146 alleles (0.32%); highest among the groups gnomAD compares: Non-Finnish European, 0.41%; 17 homozygotes.

Submissions (5):

Labcorp Genetics (formerly Invitae), Labcorp
Classification: Benign. Last evaluated: 2026-02-04. Review status: criteria provided, single submitter. Criteria: Invitae Variant Classification Sherloc (09022015). Collection method: clinical testing. Allele origin: germline.

CeGaT Center for Human Genetics Tuebingen
Classification: Likely benign. Last evaluated: 2025-10-01. Review status: criteria provided, single submitter. Criteria: CeGaT Center For Human Genetics Tuebingen Variant Classification Criteria Version 2. Collection method: clinical testing. Allele origin: germline. Affected: yes. Observed: 4 variant alleles.
Comment: STAR: BP4, BP7, BS2

Blueprint Genetics
Classification: Likely benign. Last evaluated: 2024-11-26. Review status: criteria provided, single submitter. Criteria: ACMG Guidelines, 2015. Collection method: clinical testing. Allele origin: germline.

Illumina Laboratory Services, Illumina
Classification: Uncertain significance for Congenital lipoid adrenal hyperplasia due to STAR deficency. Last evaluated: 2018-01-12. Review status: criteria provided, single submitter. Criteria: ICSL Variant Classification Criteria 13 December 2019. Collection method: clinical testing. Allele origin: germline.

Natera, Inc.
Classification: Likely benign for Congenital lipoid adrenal hyperplasia. Last evaluated: 2020-01-07. Review status: no assertion criteria provided. Collection method: clinical testing. Allele origin: germline. Not counted in ClinVar's aggregate classification.